The following is an entry in ClinVar:

ClinVar aggregate classification (germline): Conflicting classifications of pathogenicity. Review status: criteria provided, conflicting classifications (1 of 4 stars). 4 submissions from 4 submitters: Likely pathogenic (2); Uncertain significance (1). 1 of the submissions does not count toward it. Last evaluated 2025-09-04.

Conditions:
EGFR-related disorders.
Hereditary cancer-predisposing syndrome. Also called: Tumor predisposition; Hereditary neoplastic syndrome; Neoplastic Syndromes, Hereditary; Hereditary Cancer Syndrome. Identifiers: Orphanet 140162, MedGen C0027672, MeSH D009386, MONDO:0015356.
EGFR-related lung cancer (EGFR). Identifiers: MedGen CN130014.

Allele frequency attached by ClinVar (database versions not stated): gnomAD 0.00001; gnomAD exomes 0.00001; TOPMed 0.00001.
gnomAD v4.1: 9 of 1,609,054 alleles (0.00056%); highest among the groups gnomAD compares: Non-Finnish European, 0.00076%; no homozygotes.

Submissions (4):

Labcorp Genetics (formerly Invitae), Labcorp
Classification: Likely pathogenic for EGFR-related lung cancer. Last evaluated: 2025-09-04. Review status: criteria provided, single submitter. Criteria: Invitae Variant Classification Sherloc (09022015). Collection method: clinical testing. Allele origin: germline.
Comment: This sequence change affects a donor splice site in intron 17 of the EGFR gene. It is expected to disrupt RNA splicing. Variants that disrupt the donor or acceptor splice site typically lead to a loss of protein function (PMID: 16199547), and loss-of-function variants in EGFR are known to be pathogenic (PMID: 7630400, 28726809, 29899996). This variant is not present in population databases (gnomAD no frequency). This variant has not been reported in the literature in individuals affected with EGFR-related conditions. ClinVar contains an entry for this variant (Variation ID: 135516). Algorithms developed to predict the effect of sequence changes on RNA splicing suggest that this variant may disrupt the consensus splice site. In summary, the currently available evidence indicates that the variant is pathogenic, but additional data are needed to prove that conclusively. Therefore, this variant has been classified as Likely Pathogenic.

Ambry Genetics
Classification: Uncertain significance for Hereditary cancer-predisposing syndrome. Last evaluated: 2025-02-01. Review status: criteria provided, single submitter. Criteria: Ambry Variant Classification Scheme 2023. Collection method: clinical testing. Allele origin: germline.
Comment: The c.2061+2T>C intronic variant results from a T to C substitution two nucleotides after coding exon 17 in the EGFR gene. This nucleotide position is well conserved in available vertebrate species. In silico splice site analysis predicts that this alteration may weaken the native splice donor site. Alterations that disrupt the canonical splice site are expected to cause aberrant splicing, resulting in an abnormal protein or a transcript that is subject to nonsense-mediated mRNA decay; however, +2T>C alterations are capable of generating wild-type transcripts in some genomic contexts and should be interpreted with caution (Lin JH et al. Hum Mutat. 2019 10;40:1856-1873). Based on the available evidence, the clinical significance of this alteration remains unclear.

Blueprint Genetics
Classification: Likely pathogenic for EGFR-related disorders. Last evaluated: 2024-09-10. Review status: criteria provided, single submitter. Criteria: ACMG Guidelines, 2015. Collection method: clinical testing. Allele origin: germline. Affected: yes. Observed: 5 variant alleles.

ITMI
No classification provided. Condition: AllHighlyPenetrant. Last evaluated: 2013-09-19. Review status: no classification provided. Collection method: reference population. Allele origin: germline. Not counted in ClinVar's aggregate classification.
Comment: Please see associated publication for description of ethnicities

Literature cited by the submitters: PubMed 16199547 (cited by Labcorp Genetics (formerly Invitae), Labcorp); PubMed 7630400 (cited by Labcorp Genetics (formerly Invitae), Labcorp); PubMed 28726809 (cited by Labcorp Genetics (formerly Invitae), Labcorp); PubMed 29899996 (cited by Labcorp Genetics (formerly Invitae), Labcorp); PubMed 24728327 (cited by ITMI).

NM_005228.5(EGFR):c.2061+2T>C

Gene: EGFR (epidermal growth factor receptor; plus strand). Cytogenetic location: 7p11.2.
Variant type: single nucleotide variant.
Coding change: c.2061+2T>C on transcript NM_005228.5 (MANE Select); the canonical splice donor site of the intron after coding-DNA position 2061, T replaced by C.
Molecular consequence: splice donor variant.
Genome position (GRCh38, 1-based): chr7:55,173,126, T>C. VCF-style: chr7-55173126-T-C. GRCh37 (hg19) VCF-style: chr7-55240819-T-C.
Other names: c.1926+2T>C (NM_001346899.2, NM_001346897.2); c.1260+2T>C (NM_001346941.2); c.2061+2T>C (NM_001346898.2, NM_005228.3); c.1902+2T>C (NM_001346900.2).
Identifiers: ClinVar variation 135516 (VCV000135516.10), dbSNP rs587777939, ClinGen allele CA162971.